The following is an entry in ClinVar:

NM_000368.5(TSC1):c.2802A>T (p.Lys934Asn)

Gene: TSC1 (TSC complex subunit 1; minus strand). Cytogenetic location: 9q34.13.
Variant type: single nucleotide variant.
Coding change: c.2802A>T on transcript NM_000368.5 (MANE Select); coding-DNA position 2802, A replaced by T.
Protein change: p.Lys934Asn; replaces lysine 934 with asparagine.
Molecular consequence: missense variant. On other transcripts: non-coding transcript variant (5).
Genome position (GRCh38, 1-based): chr9:132,897,434, T>A on the plus strand (A>T on the coding strand, the complement: TSC1 is on the minus strand). VCF-style: chr9-132897434-T-A. GRCh37 (hg19) VCF-style: chr9-135772821-T-A.
Other names: c.2757A>T, p.Lys919Asn (NM_001406609.1, NM_001406608.1); c.2649A>T, p.Lys883Asn (NM_001406610.1, NM_001162427.2); c.2646A>T, p.Lys882Asn (NM_001406611.1, NM_001406612.1); c.2604A>T, p.Lys868Asn (NM_001406613.1); c.2439A>T, p.Lys813Asn (NM_001406614.1, NM_001406615.1, NM_001406616.1 and 4 more transcripts); c.2799A>T, p.Lys933Asn (NM_001162426.2, NM_001406597.1, NM_001406598.1 and 2 more transcripts); c.2802A>T, p.Lys934Asn (NM_001406592.1, NM_001406593.1, NM_001406594.1 and 2 more transcripts); c.2787A>T, p.Lys929Asn (NM_001406601.1, NM_001406602.1); and 8 more; short protein forms K813N, K882N, K920N, K933N, K616N, K799N, K812N, K868N.
Identifiers: ClinVar variation 2696891 (VCV002696891.3), dbSNP rs2538486090, ClinGen allele CA375369023.

ClinVar aggregate classification (germline): Uncertain significance (1 of 4 stars; one submission).

Conditions:
Tuberous sclerosis 1 (TSC1). Identifiers: Orphanet 805, MedGen C1854465, MONDO:0008612, OMIM 191100.

Submission:

Labcorp Genetics (formerly Invitae), Labcorp
Classification: Uncertain significance for Tuberous sclerosis 1. Last evaluated: 2023-11-17. Review status: criteria provided, single submitter. Criteria: Invitae Variant Classification Sherloc (09022015). Collection method: clinical testing. Allele origin: germline.
Comment: This sequence change replaces lysine, which is basic and polar, with asparagine, which is neutral and polar, at codon 934 of the TSC1 protein (p.Lys934Asn). This variant is not present in population databases (gnomAD no frequency). This variant has not been reported in the literature in individuals affected with TSC1-related conditions. Advanced modeling of protein sequence and biophysical properties (such as structural, functional, and spatial information, amino acid conservation, physicochemical variation, residue mobility, and thermodynamic stability) performed at Invitae indicates that this missense variant is not expected to disrupt TSC1 protein function with a negative predictive value of 95%. In summary, the available evidence is currently insufficient to determine the role of this variant in disease. Therefore, it has been classified as a Variant of Uncertain Significance.